The following is an entry in ClinVar:

NM_212482.4(FN1):c.832A>G (p.Thr278Ala)

Gene: FN1 (fibronectin 1; minus strand). Cytogenetic location: 2q35.
Variant type: single nucleotide variant.
Coding change: c.832A>G on transcript NM_212482.4 (MANE Select); coding-DNA position 832, A replaced by G.
Protein change: p.Thr278Ala; replaces threonine 278 with alanine.
Molecular consequence: missense variant.
Genome position (GRCh38, 1-based): chr2:215,428,192, T>C on the plus strand (A>G on the coding strand, the complement: FN1 is on the minus strand). VCF-style: chr2-215428192-T-C. GRCh37 (hg19) VCF-style: chr2-216292915-T-C.
Other names: c.832A>G, p.Thr278Ala (NM_001306129.2, NM_001306130.2, NM_001306131.2 and 14 more transcripts); short protein forms T278A.
Identifiers: ClinVar variation 2094698 (VCV002094698.4), dbSNP rs2470465696, ClinGen allele CA350473666.

ClinVar aggregate classification (germline): Uncertain significance (1 of 4 stars; one submission).

Submission:

Labcorp Genetics (formerly Invitae), Labcorp
Classification: Uncertain significance. Last evaluated: 2022-08-16. Review status: criteria provided, single submitter. Criteria: Invitae Variant Classification Sherloc (09022015). Collection method: clinical testing. Allele origin: germline.
Comment: In summary, the available evidence is currently insufficient to determine the role of this variant in disease. Therefore, it has been classified as a Variant of Uncertain Significance. Algorithms developed to predict the effect of missense changes on protein structure and function output the following: SIFT: "Not Available"; PolyPhen-2: "Benign"; Align-GVGD: "Not Available". The alanine amino acid residue is found in multiple mammalian species, which suggests that this missense change does not adversely affect protein function. This variant has not been reported in the literature in individuals affected with FN1-related conditions. This variant is not present in population databases (gnomAD no frequency). This sequence change replaces threonine, which is neutral and polar, with alanine, which is neutral and non-polar, at codon 278 of the FN1 protein (p.Thr278Ala).